The following is an entry in ClinVar:

NM_004795.4(KL):c.2378A>G (p.Glu793Gly)

Gene: KL (klotho; plus strand). Cytogenetic location: 13q13.1.
Variant type: single nucleotide variant.
Coding change: c.2378A>G on transcript NM_004795.4 (MANE Select); coding-DNA position 2378, A replaced by G.
Protein change: p.Glu793Gly; replaces glutamic acid 793 with glycine.
Molecular consequence: missense variant.
Genome position (GRCh38, 1-based): chr13:33,061,457, A>G. VCF-style: chr13-33061457-A-G. GRCh37 (hg19) VCF-style: chr13-33635594-A-G.
Other names: short protein forms E793G.
Identifiers: ClinVar variation 4746581 (VCV004746581.1).

ClinVar aggregate classification (germline): Uncertain significance (1 of 4 stars; one submission).

Submission:

Labcorp Genetics (formerly Invitae), Labcorp
Classification: Uncertain significance. Last evaluated: 2025-01-27. Review status: criteria provided, single submitter. Criteria: Invitae Variant Classification Sherloc (09022015). Collection method: clinical testing. Allele origin: germline.
Comment: This sequence change replaces glutamic acid, which is acidic and polar, with glycine, which is neutral and non-polar, at codon 793 of the KL protein (p.Glu793Gly). This variant is not present in population databases (gnomAD no frequency). This variant has not been reported in the literature in individuals affected with KL-related conditions. Invitae Evidence Modeling of protein sequence and biophysical properties (such as structural, functional, and spatial information, amino acid conservation, physicochemical variation, residue mobility, and thermodynamic stability) indicates that this missense variant is expected to disrupt KL protein function with a positive predictive value of 80%. In summary, the available evidence is currently insufficient to determine the role of this variant in disease. Therefore, it has been classified as a Variant of Uncertain Significance.